The following is an entry in ClinVar:

NM_032638.5(GATA2):c.1019_1023delinsGCCTT (p.Ser340_Ala341delinsCysLeu)

Gene: GATA2 (GATA binding protein 2; minus strand). Cytogenetic location: 3q21.3.
Variant type: Indel.
Coding change: c.1019_1023delinsGCCTT on transcript NM_032638.5 (MANE Select); coding-DNA positions 1019 to 1023, CGGCC replaced by GCCTT.
Protein change: p.Ser340_Ala341delinsCysLeu.
Molecular consequence: missense variant. On other transcripts: intron variant (1).
Genome position (GRCh38, 1-based): chr3:128,481,939-128,481,943, GGCCG replaced by AAGGC on the plus strand (CGGCC replaced by GCCTT on the coding strand, the reverse complement: GATA2 is on the minus strand). VCF-style: chr3-128481939-GGCCG-AAGGC. GRCh37 (hg19) VCF-style: chr3-128200782-GGCCG-AAGGC.
Other names: c.1019_1023delinsGCCTT, p.Ser340_Ala341delinsCysLeu (NM_001145661.2); c.1018-41_1018-37delinsGCCTT (NM_001145662.1).
Identifiers: ClinVar variation 472428 (VCV000472428.5), dbSNP rs1553770524, ClinGen allele CA658657335.

ClinVar aggregate classification (germline): Uncertain significance (1 of 4 stars; one submission).

Conditions:
Monocytopenia with susceptibility to infections. Also called: MONOCYTOPENIA AND MYCOBACTERIAL INFECTION SYNDROME; MONOCYTOPENIA WITH SUSCEPTIBILITY TO MYCOBACTERIAL, FUNGAL, AND PAPILLOMAVIRUS INFECTIONS AND MYELODYSPLASIA; COMBINED IMMUNODEFICIENCY WITH SUSCEPTIBILITY TO MYCOBACTERIAL, VIRAL, AND FUNGAL INFECTIONS; Dendritic cell, monocyte, B lymphocyte, and natural killer lymphocyte deficiency; IMMUNODEFICIENCY 21; GATA2 DEFICIENCY. Identifiers: Orphanet 228423, MedGen C3280030, MONDO:0013607, OMIM 614172.
Deafness-lymphedema-leukemia syndrome. Also called: Lymphedema, primary, with myelodysplasia; Emberger syndrome. Identifiers: Orphanet 3226, MedGen C3279664, MONDO:0013540, OMIM 614038.

Submission:

Labcorp Genetics (formerly Invitae), Labcorp
Classification: Uncertain significance for Monocytopenia with susceptibility to infections; Deafness-lymphedema-leukemia syndrome. Last evaluated: 2017-06-13. Review status: criteria provided, single submitter. Criteria: Invitae Variant Classification Sherloc (09022015). Collection method: clinical testing. Allele origin: germline.
Comment: This variant is not present in population databases (ExAC no frequency). This variant, c.1019_1023delinsGCCTT, replaces serine with cysteine at codon 340 of the GATA2 protein and replaces alanine with leucine at codon 341 of the GATA2 protein (p.Ser340_Ala341delinsCysLeu). The serine residue is highly conserved and there is a moderate physicochemical difference between serine and cysteine. The alanine residue is highly conserved and there is a moderate physicochemical difference between alanine and leucine. This variant has not been reported in the literature in individuals with a GATA2-related disease. In summary, this variant has uncertain impact on GATA2 function. The available evidence is currently insufficient to determine its role in disease. Therefore, it has been classified as a Variant of Uncertain Significance. Algorithms developed to predict the effect of missense changes on protein structure and function do not agree on the potential impact of the p.Ser340Cys missense change (SIFT: "Deleterious"; PolyPhen-2: "Possibly Damaging"; Align-GVGD: "Class C15") or the p.Ala341Leu missense change (SIFT: "Deleterious"; PolyPhen-2: "Possibly Damaging"; Align-GVGD: "Class C15").